The following is an entry in ClinVar:

NM_024678.6(NARS2):c.142-20G>C

Gene: NARS2 (asparaginyl-tRNA synthetase 2, mitochondrial; minus strand). Cytogenetic location: 11q14.1.
Variant type: single nucleotide variant.
Coding change: c.142-20G>C on transcript NM_024678.6 (MANE Select); 20 bases into the intron before coding-DNA position 142, G replaced by C.
Molecular consequence: intron variant.
Genome position (GRCh38, 1-based): chr11:78,571,464, C>G on the plus strand (G>C on the coding strand, the complement: NARS2 is on the minus strand). VCF-style: chr11-78571464-C-G. GRCh37 (hg19) VCF-style: chr11-78282509-C-G.
Other names: c.-540-20G>C (NM_001243251.2).
Identifiers: ClinVar variation 385864 (VCV000385864.10), dbSNP rs150160616, ClinGen allele CA6205939.

ClinVar aggregate classification (germline): Benign/Likely benign. Review status: criteria provided, multiple submitters, no conflicts (2 of 4 stars). 3 submissions from 3 submitters: Benign (1); Likely benign (2). Last evaluated 2026-01-20.

Allele frequency attached by ClinVar (database versions not stated): gnomAD exomes 0.00078 and 0.00300; 1000 Genomes Project 30x 0.00547; gnomAD 0.00091 and 0.00124; 1000 Genomes Project 0.00579; TOPMed 0.00156; ExAC 0.00294.
gnomAD v4.1: 1,316 of 1,549,058 alleles (0.085%); highest among the groups gnomAD compares: East Asian, 2.6%; 14 homozygotes.

Submissions (3):

Labcorp Genetics (formerly Invitae), Labcorp
Classification: Benign. Last evaluated: 2026-01-20. Review status: criteria provided, single submitter. Criteria: Invitae Variant Classification Sherloc (09022015). Collection method: clinical testing. Allele origin: germline.

GeneDx
Classification: Likely benign. Last evaluated: 2017-08-23. Review status: criteria provided, single submitter. Criteria: GeneDx Variant Classification (06012015). Collection method: clinical testing. Allele origin: germline. Affected: yes.
Comment: This variant is considered likely benign or benign based on one or more of the following criteria: it is a conservative change, it occurs at a poorly conserved position in the protein, it is predicted to be benign by multiple in silico algorithms, and/or has population frequency not consistent with disease.

Breakthrough Genomics
Classification: Likely benign. Review status: criteria provided, single submitter. Criteria: ACMG Guidelines, 2015. Collection method: not provided. Allele origin: germline. Inheritance: Autosomal recessive inheritance. Affected: yes.